The following is an entry in ClinVar:

NM_199342.4(SVBP):c.115-3099C>T

Gene: SVBP (small vasohibin binding protein; minus strand). Cytogenetic location: 1p34.2.
Variant type: single nucleotide variant.
Coding change: c.115-3099C>T on transcript NM_199342.4 (MANE Select); 3099 bases into the intron before coding-DNA position 115, C replaced by T.
Molecular consequence: intron variant.
Genome position (GRCh38, 1-based): chr1:42,810,599, G>A on the plus strand (C>T on the coding strand, the complement: SVBP is on the minus strand). VCF-style: chr1-42810599-G-A. GRCh37 (hg19) VCF-style: chr1-43276270-G-A.
Identifiers: ClinVar variation 4885234 (VCV004885234.2).
Genomic context (GRCh38, chr1:42,810,599, plus strand): 5'-ACTGAGATGCAAATTAAATAGCTTCTCAGAGACCTCCAGATCAAGGAGGCAAGATGGTAG[G>A]AGAAAGAGGAGACTCACAATGGGTCAGGGTGTCCAGGCCAAAGAATGACTCTCAGTCAAG-3'

ClinVar aggregate classification (germline): Uncertain significance (1 of 4 stars; one submission).

gnomAD v4.1: 17 of 152,250 alleles (0.011%); highest among the groups gnomAD compares: Middle Eastern, 0.34%; no homozygotes.

Submission:

Dasa
Classification: Uncertain significance. Last evaluated: 2025-11-29. Review status: criteria provided, single submitter. Criteria: DASA Assertion Criteria. Collection method: clinical testing. Allele origin: germline.
Comment: NM_199342.4(SVBP):c.115-3099C>T is an intronic variant. This variant is rare in population databases. The currently available literature and clinical evidence are not sufficient to establish a definitive association between this variant and the reported condition. Therefore, this variant is classified as a variant of uncertain significance.